The following is an entry in ClinVar:

ClinVar aggregate classification (germline): Likely pathogenic. Review status: criteria provided, single submitter (1 of 4 stars). 3 submissions from 3 submitters: Likely pathogenic (1). 2 of the submissions do not count toward it. Last evaluated 2019-02-20.

Conditions:
Intellectual developmental disorder with macrocephaly, seizures, and speech delay. Identifiers: MedGen C4748428, MONDO:0032568, OMIM 618158.

Submissions (3):

SIB Swiss Institute of Bioinformatics
Classification: Likely pathogenic for Intellectual developmental disorder with macrocephaly, seizures, and speech delay. Last evaluated: 2019-02-20. Review status: criteria provided, single submitter. Criteria: ACMG Guidelines, 2015. Collection method: curation. Allele origin: unknown.
Comment: This variant is interpreted as a Likely pathogenic for Intellectual developmental disorder with macrocephaly, seizures, and speech delay, autosomal dominant. The following ACMG Tag(s) were applied: PM2, PP3, PM6, PS3.

Genetics and Genomic Medicine Centre, NeuroGen Healthcare, NeuroGen Healthcare
Classification: Pathogenic. Last evaluated: 2021-02-01. Review status: no assertion criteria provided. Collection method: clinical testing. Allele origin: unknown. Affected: yes. Not counted in ClinVar's aggregate classification.

OMIM
Classification: Pathogenic for INTELLECTUAL DEVELOPMENTAL DISORDER WITH MACROCEPHALY, SEIZURES, AND SPEECH DELAY. Last evaluated: 2018-10-31. Review status: no assertion criteria provided. Collection method: literature only. Allele origin: germline. Not counted in ClinVar's aggregate classification.

Literature cited by the submitters: PubMed 30290153 (cited by SIB Swiss Institute of Bioinformatics and OMIM).

NM_002576.5(PAK1):c.1286A>G (p.Tyr429Cys)

Gene: PAK1 (p21 (RAC1) activated kinase 1; minus strand). Cytogenetic location: 11q13.5.
Variant type: single nucleotide variant.
Coding change: c.1286A>G on transcript NM_002576.5 (MANE Select); coding-DNA position 1286, A replaced by G.
Protein change: p.Tyr429Cys; replaces tyrosine 429 with cysteine.
Molecular consequence: missense variant. On other transcripts: non-coding transcript variant (2).
Genome position (GRCh38, 1-based): chr11:77,336,213, T>C on the plus strand (A>G on the coding strand, the complement: PAK1 is on the minus strand). VCF-style: chr11-77336213-T-C. GRCh37 (hg19) VCF-style: chr11-77047258-T-C.
Other names: c.1286A>G, p.Tyr429Cys (NM_001128620.2, NM_001376268.1, NM_001376269.1 and 21 more transcripts); c.1307A>G, p.Tyr436Cys (NM_001376272.1); c.1163A>G, p.Tyr388Cys (NM_001376290.1, NM_001376291.1); c.1277A>G, p.Tyr426Cys (NM_001376294.1); c.1109A>G, p.Tyr370Cys (NM_001376295.1); c.1037A>G, p.Tyr346Cys (NM_001376301.1); c.992A>G, p.Tyr331Cys (NM_001376302.1, NM_001376304.1, NM_001376305.1); c.998A>G, p.Tyr333Cys (NM_001376303.1); short protein forms Y429C, Y331C, Y333C, Y346C, Y370C, Y388C, Y426C, Y436C.
Identifiers: ClinVar variation 587371 (VCV000587371.5), dbSNP rs1565583382, ClinGen allele CA382093103.
Genomic context (GRCh38, chr11:77,336,213, plus strand): 5'-GACCAGATGTCAACCTTGGGCCCATAGGCCTTTCGTGTCACAACCTCTGGTGCCATCCAG[T>C]ATGGGGTTCCTACCATGGTGCTCCGTTTGCTCTGCTCTGGGGTTATCTGTGCACAGAATC-3'
Protein context (NP_002567.3, residues 419-439): SKRSTMVGTP[Tyr429Cys]WMAPEVVTRK